The following is an entry in ClinVar:

ClinVar aggregate classification (germline): Uncertain significance (1 of 4 stars; one submission).

Submission:

CeGaT Center for Human Genetics Tuebingen
Classification: Uncertain significance. Last evaluated: 2023-03-01. Review status: criteria provided, single submitter. Criteria: CeGaT Center For Human Genetics Tuebingen Variant Classification Criteria Version 2. Collection method: clinical testing. Allele origin: germline. Affected: yes. Observed: 1 variant allele.
Comment: FBN2: PM2

NM_001999.4(FBN2):c.6152G>T (p.Ser2051Ile)

Gene: FBN2 (fibrillin 2; minus strand). Cytogenetic location: 5q23.3.
Variant type: single nucleotide variant.
Coding change: c.6152G>T on transcript NM_001999.4 (MANE Select); coding-DNA position 6152, G replaced by T.
Protein change: p.Ser2051Ile; replaces serine 2051 with isoleucine.
Molecular consequence: missense variant.
Genome position (GRCh38, 1-based): chr5:128,300,831, C>A on the plus strand (G>T on the coding strand, the complement: FBN2 is on the minus strand). VCF-style: chr5-128300831-C-A. GRCh37 (hg19) VCF-style: chr5-127636523-C-A.
Other names: short protein forms S2051I.
Identifiers: ClinVar variation 2655681 (VCV002655681.24), dbSNP rs2479711422, ClinGen allele CA360766208.
Genomic context (GRCh38, chr5:128,300,831, plus strand): 5'-ACTATACTGAACTACTAGTGGGCCTCAGAATAAATGTTACTCTTACCAATGCAGTTCTCG[C>A]TTTTTACTTCATACCCTGGGGGACAGATGCATCTGAAGGATCCCTCCAAATTCTGACAGG-3'
Protein context (NP_001990.2, residues 2041-2061): CICPPGYEVK[Ser2051Ile]ENCIDINECD